The following is an entry in ClinVar:

NM_020686.6(ABAT):c.938G>C (p.Arg313Thr)

Gene: ABAT (4-aminobutyrate aminotransferase; plus strand). Cytogenetic location: 16p13.2.
Variant type: single nucleotide variant.
Coding change: c.938G>C on transcript NM_020686.6 (MANE Select); coding-DNA position 938, G replaced by C.
Protein change: p.Arg313Thr; replaces arginine 313 with threonine.
Molecular consequence: missense variant.
Genome position (GRCh38, 1-based): chr16:8,772,901, G>C. VCF-style: chr16-8772901-G-C. GRCh37 (hg19) VCF-style: chr16-8866758-G-C.
Other names: c.938G>C, p.Arg313Thr (NM_000663.5, NM_001127448.2, NM_001386600.1 and 6 more transcripts); c.899G>C, p.Arg300Thr (NM_001386605.1); c.875G>C, p.Arg292Thr (NM_001386606.1, NM_001386607.1); c.845G>C, p.Arg282Thr (NM_001386608.1); c.803G>C, p.Arg268Thr (NM_001386610.1, NM_001386611.1); c.740G>C, p.Arg247Thr (NM_001386612.1, NM_001386613.1); c.692G>C, p.Arg231Thr (NM_001386614.1); c.1034G>C, p.Arg345Thr (NM_001386615.1); and 1 more; short protein forms R231T, R247T, R268T, R282T, R292T, R300T, R313T, R345T.
Identifiers: ClinVar variation 1052823 (VCV001052823.10), dbSNP rs2142993864, ClinGen allele CA394689559.
Genomic context (GRCh38, chr16:8,772,901, plus strand): 5'-AGCCCATCCAGTCCGAGGGTGGAGACAACCACGCATCCGATGACTTCTTTCGGAAGCTGA[G>C]AGACATCGCCAGGAAGGTCAGTGGACAGGGCCGAGGTTGGATGGAGCCATTGGGTTTTCT-3'
Protein context (NP_065737.2, residues 303-323): HASDDFFRKL[Arg313Thr]DIARKHGCAF

ClinVar aggregate classification (germline): Uncertain significance. Review status: criteria provided, multiple submitters, no conflicts (2 of 4 stars). 2 submissions from 2 submitters: Uncertain significance (2). Last evaluated 2025-04-07.

Conditions:
Inborn genetic diseases. Identifiers: MedGen C0950123, MeSH D030342.
Gamma-aminobutyric acid transaminase deficiency (GABATD). Also called: GABA transaminase deficiency; Gamma aminobutyrate transaminase deficiency; 4 alpha aminobutyrate transaminase deficiency; GABA aminotransaminase deficiency. Identifiers: Orphanet 2066, MedGen C0342708, MONDO:0013166, OMIM 613163.

Submissions (2):

Labcorp Genetics (formerly Invitae), Labcorp
Classification: Uncertain significance for Gamma-aminobutyric acid transaminase deficiency. Last evaluated: 2025-04-07. Review status: criteria provided, single submitter. Criteria: Invitae Variant Classification Sherloc (09022015). Collection method: clinical testing. Allele origin: germline.
Comment: This sequence change replaces arginine, which is basic and polar, with threonine, which is neutral and polar, at codon 313 of the ABAT protein (p.Arg313Thr). This variant is not present in population databases (gnomAD no frequency). This variant has not been reported in the literature in individuals affected with ABAT-related conditions. ClinVar contains an entry for this variant (Variation ID: 1052823). Invitae Evidence Modeling of protein sequence and biophysical properties (such as structural, functional, and spatial information, amino acid conservation, physicochemical variation, residue mobility, and thermodynamic stability) indicates that this missense variant is expected to disrupt ABAT protein function with a positive predictive value of 80%. In summary, the available evidence is currently insufficient to determine the role of this variant in disease. Therefore, it has been classified as a Variant of Uncertain Significance.

Ambry Genetics
Classification: Uncertain significance for Inborn genetic diseases. Last evaluated: 2023-12-11. Review status: criteria provided, single submitter. Criteria: Ambry Variant Classification Scheme 2023. Collection method: clinical testing. Allele origin: germline.